The following is an entry in ClinVar:

ClinVar aggregate classification (germline): Uncertain significance (1 of 4 stars; one submission).

Conditions:
Parkinsonism-dystonia, infantile. Identifiers: Orphanet 238455, MedGen C2751067, MONDO:0013150.

Submission:

Labcorp Genetics (formerly Invitae), Labcorp
Classification: Uncertain significance for Parkinsonism-dystonia, infantile. Last evaluated: 2022-06-20. Review status: criteria provided, single submitter. Criteria: Invitae Variant Classification Sherloc (09022015). Collection method: clinical testing. Allele origin: germline.
Comment: This sequence change falls in intron 13 of the SLC6A3 gene. It does not directly change the encoded amino acid sequence of the SLC6A3 protein. It affects a nucleotide within the consensus splice site. This variant is present in population databases (rs781468421, gnomAD 0.1%). This variant has not been reported in the literature in individuals affected with SLC6A3-related conditions. ClinVar contains an entry for this variant (Variation ID: 538068). Variants that disrupt the consensus splice site are a relatively common cause of aberrant splicing (PMID: 17576681, 9536098). Algorithms developed to predict the effect of sequence changes on RNA splicing suggest that this variant is not likely to affect RNA splicing. In summary, the available evidence is currently insufficient to determine the role of this variant in disease. Therefore, it has been classified as a Variant of Uncertain Significance.

Literature cited by the submitters: PubMed 17576681; PubMed 9536098.

NM_001044.5(SLC6A3):c.1768-7_1768-6del

Gene: SLC6A3 (solute carrier family 6 member 3). Cytogenetic location: 5p15.33.
Variant type: Microsatellite.
Coding change: c.1768-7_1768-6del on transcript NM_001044.5 (MANE Select); 7 bases into the intron before coding-DNA position 1768 through 6 bases into the intron before coding-DNA position 1768, this stretch deleted.
Molecular consequence: intron variant.
Genome position: GRCh38 VCF-style: chr5-1400991-AAG-A. GRCh37 (hg19) VCF-style: chr5-1401106-AAG-A.
Other names: c.1768-7_1768-6delCT (NM_001044.4).
Identifiers: ClinVar variation 538068 (VCV000538068.8), dbSNP rs781468421, ClinGen allele CA3185896.